The following is an entry in ClinVar:

NM_013444.4(UBQLN2):c.464G>A (p.Ser155Asn)

Gene: UBQLN2 (ubiquilin 2; plus strand). Cytogenetic location: Xp11.21.
Variant type: single nucleotide variant.
Coding change: c.464G>A on transcript NM_013444.4 (MANE Select); coding-DNA position 464, G replaced by A.
Protein change: p.Ser155Asn; replaces serine 155 with asparagine.
Molecular consequence: missense variant.
Genome position (GRCh38, 1-based): chrX:56,564,337, G>A. VCF-style: chrX-56564337-G-A. GRCh37 (hg19) VCF-style: chrX-56590770-G-A.
Other names: short protein forms S155N.
Identifiers: ClinVar variation 2138582 (VCV002138582.4), dbSNP rs374522677, ClinGen allele CA10430075.
Genomic context (GRCh38, chrX:56,564,337, plus strand): 5'-CTATTTCCACAAATAGCAACCCGTTTGGGTTGGGGAGCCTGGGAGGACTTGCAGGCCTTA[G>A]CAGCCTGGGCTTGAGCTCGACCAACTTCTCTGAGCTCCAGAGCCAGATGCAGCAGCAGCT-3'
Protein context (NP_038472.2, residues 145-165): LGSLGGLAGL[Ser155Asn]SLGLSSTNFS

ClinVar aggregate classification (germline): Uncertain significance (1 of 4 stars; one submission).

Conditions:
Amyotrophic lateral sclerosis type 15. Also called: AMYOTROPHIC LATERAL SCLEROSIS 15 WITH FRONTOTEMPORAL DEMENTIA. Identifiers: Orphanet 803, MedGen C3275459, MONDO:0010459, OMIM 300857.

Allele frequency attached by ClinVar (database versions not stated): gnomAD exomes below 0.00001; TOPMed below 0.00001; ExAC 0.00002; ESP Exome Variant Server 0.00009.
gnomAD v4.1: 1 of 1,211,603 alleles (0.000083%); highest among the groups gnomAD compares: Non-Finnish European, 0.00011%; no homozygotes.

Submission:

Labcorp Genetics (formerly Invitae), Labcorp
Classification: Uncertain significance for Amyotrophic lateral sclerosis type 15. Last evaluated: 2022-06-16. Review status: criteria provided, single submitter. Criteria: Invitae Variant Classification Sherloc (09022015). Collection method: clinical testing. Allele origin: germline.
Comment: In summary, the available evidence is currently insufficient to determine the role of this variant in disease. Therefore, it has been classified as a Variant of Uncertain Significance. Algorithms developed to predict the effect of missense changes on protein structure and function are either unavailable or do not agree on the potential impact of this missense change (SIFT: "Not Available"; PolyPhen-2: "Possibly Damaging"; Align-GVGD: "Not Available"). This missense change has been observed in individual(s) with amyotrophic lateral sclerosis (PMID: 22560112). This variant is present in population databases (rs374522677, gnomAD 0.008%), including at least one homozygous and/or hemizygous individual. This sequence change replaces serine, which is neutral and polar, with asparagine, which is neutral and polar, at codon 155 of the UBQLN2 protein (p.Ser155Asn).

Literature cited by the submitters: PubMed 22560112.